The following is an entry in ClinVar:

NM_001035.3(RYR2):c.1156T>C (p.Ser386Pro)

Gene: RYR2 (ryanodine receptor 2; plus strand). Cytogenetic location: 1q43.
Variant type: single nucleotide variant.
Coding change: c.1156T>C on transcript NM_001035.3 (MANE Select); coding-DNA position 1156, T replaced by C.
Protein change: p.Ser386Pro; replaces serine 386 with proline.
Molecular consequence: missense variant.
Genome position (GRCh38, 1-based): chr1:237,441,469, T>C. VCF-style: chr1-237441469-T-C. GRCh37 (hg19) VCF-style: chr1-237604769-T-C.
Other names: short protein forms S386P.
Identifiers: ClinVar variation 2120409 (VCV002120409.4), dbSNP rs1707895900, ClinGen allele CA345376637.

ClinVar aggregate classification (germline): Uncertain significance (1 of 4 stars; one submission).

Conditions:
Catecholaminergic polymorphic ventricular tachycardia 1. Also called: VENTRICULAR TACHYCARDIA, CATECHOLAMINERGIC POLYMORPHIC, 1, WITH OR WITHOUT ATRIAL DYSFUNCTION AND/OR DILATED CARDIOMYOPATHY; RYR2-Related Catecholaminergic Polymorphic Ventricular Tachycardia; VENTRICULAR TACHYCARDIA, STRESS-INDUCED POLYMORPHIC 1. Identifiers: Orphanet 3286, MedGen C1631597, MONDO:0011484, OMIM 604772.

Allele frequency attached by ClinVar (database versions not stated): gnomAD exomes below 0.00001.
gnomAD v4.1: 1 of 1,582,022 alleles (0.000063%); highest among the groups gnomAD compares: Non-Finnish European, 0.000086%; no homozygotes.

Submission:

Labcorp Genetics (formerly Invitae), Labcorp
Classification: Uncertain significance for Catecholaminergic polymorphic ventricular tachycardia 1. Last evaluated: 2022-04-01. Review status: criteria provided, single submitter. Criteria: Invitae Variant Classification Sherloc (09022015). Collection method: clinical testing. Allele origin: germline.
Comment: This sequence change replaces serine, which is neutral and polar, with proline, which is neutral and non-polar, at codon 386 of the RYR2 protein (p.Ser386Pro). This variant is not present in population databases (gnomAD no frequency). This variant has not been reported in the literature in individuals affected with RYR2-related conditions. Advanced modeling of protein sequence and biophysical properties (such as structural, functional, and spatial information, amino acid conservation, physicochemical variation, residue mobility, and thermodynamic stability) performed at Invitae indicates that this missense variant is not expected to disrupt RYR2 protein function. In summary, the available evidence is currently insufficient to determine the role of this variant in disease. Therefore, it has been classified as a Variant of Uncertain Significance.